The following is an entry in ClinVar:

NM_001127222.2(CACNA1A):c.6722G>C (p.Arg2241Pro)

Genes: CACNA1A (calcium voltage-gated channel subunit alpha1 A; minus strand), LOC130063717 (ATAC-STARR-seq lymphoblastoid silent region 10203; plus strand). Cytogenetic location: 19p13.13.
Variant type: single nucleotide variant.
Coding change: c.6722G>C on transcript NM_001127222.2 (MANE Select); coding-DNA position 6722, G replaced by C.
Protein change: p.Arg2241Pro; replaces arginine 2241 with proline.
Molecular consequence: missense variant.
Genome position (GRCh38, 1-based): chr19:13,208,814, C>G on the plus strand (G>C on the coding strand, the complement: CACNA1A is on the minus strand). VCF-style: chr19-13208814-C-G. GRCh37 (hg19) VCF-style: chr19-13319628-C-G.
Other names: c.6740G>C, p.Arg2247Pro (NM_000068.4, NM_023035.3); c.6725G>C, p.Arg2242Pro (NM_001127221.2); c.6731G>C, p.Arg2244Pro (NM_001174080.2); short protein forms R2242P, R2247P, R2241P, R2244P.
Identifiers: ClinVar variation 1952546 (VCV001952546.5), dbSNP rs773057074, ClinGen allele CA404329559.
Genomic context (GRCh38, chr19:13,208,814, plus strand): 5'-ACCTGCCGGTGCGCCATGTGCTCTCGGCCCTCGCTGGGCGAGCGGGACCAGCGCTGGTCC[C>G]GAGCCCGTGCCCGGCCGTGGTCCGGCCGTTCCTGGGCATAGCGGTCCTTGTCGGGGGGCG-3'
Protein context (NP_001120694.1, residues 2231-2251): ERPDHGRARA[Arg2241Pro]DQRWSRSPSE

ClinVar aggregate classification (germline): Uncertain significance (1 of 4 stars; one submission).

Conditions:
Episodic ataxia type 2 (EA2). Also called: ATAXIA, EPISODIC, WITH NYSTAGMUS; ATAXIA, FAMILIAL PAROXYSMAL; CEREBELLAR ATAXIA, PAROXYSMAL, ACETAZOLAMIDE-RESPONSIVE; CEREBELLOPATHY, HEREDITARY PAROXYSMAL; EPISODIC ATAXIA, NYSTAGMUS-ASSOCIATED; ACETAZOLAMIDE-RESPONSIVE HEREDITARY PAROXYSMAL CEREBELLAR ATAXIA. Identifiers: Orphanet 97, MedGen C1720416, MONDO:0007163, OMIM 108500.
Developmental and epileptic encephalopathy, 42 (DEE42A). Also called: Epileptic encephalopathy, early infantile, 42; DEVELOPMENTAL AND EPILEPTIC ENCEPHALOPATHY 42A; EPILEPTIC ENCEPHALOPATHY, EARLY INFANTILE, 42A. Identifiers: MedGen C4310716, MONDO:0014917, OMIM 617106.

gnomAD v4.1: 2 of 1,545,568 alleles (0.00013%); highest among the groups gnomAD compares: South Asian, 0.0012%; no homozygotes.

Submission:

Labcorp Genetics (formerly Invitae), Labcorp
Classification: Uncertain significance for Developmental and epileptic encephalopathy, 42; Episodic ataxia type 2. Last evaluated: 2024-01-02. Review status: criteria provided, single submitter. Criteria: Invitae Variant Classification Sherloc (09022015). Collection method: clinical testing. Allele origin: germline.
Comment: This sequence change replaces arginine, which is basic and polar, with proline, which is neutral and non-polar, at codon 2242 of the CACNA1A protein (p.Arg2242Pro). This variant is not present in population databases (gnomAD no frequency). This variant has not been reported in the literature in individuals affected with CACNA1A-related conditions. ClinVar contains an entry for this variant (Variation ID: 1952546). Advanced modeling of protein sequence and biophysical properties (such as structural, functional, and spatial information, amino acid conservation, physicochemical variation, residue mobility, and thermodynamic stability) performed at Invitae indicates that this missense variant is not expected to disrupt CACNA1A protein function with a negative predictive value of 95%. In summary, the available evidence is currently insufficient to determine the role of this variant in disease. Therefore, it has been classified as a Variant of Uncertain Significance.